The following is an entry in ClinVar:

ClinVar aggregate classification (germline): Uncertain significance (1 of 4 stars; one submission).

Allele frequency attached by ClinVar (database versions not stated): gnomAD 0.00001; gnomAD exomes 0.00001; TOPMed 0.00001.
gnomAD v4.1: 13 of 1,613,650 alleles (0.00081%); highest among the groups gnomAD compares: Non-Finnish European, 0.0011%; no homozygotes.

Submission:

Laboratory for Molecular Medicine, Mass General Brigham Personalized Medicine
Classification: Uncertain significance. Last evaluated: 2012-05-02. Review status: criteria provided, single submitter. Criteria: LMM Criteria. Collection method: clinical testing. Allele origin: germline. Observed: 1 variant allele.
Comment: The Lys10621Glu variant has not been reported in the literature nor previously i dentified by our laboratory. Computational analyses (biochemical amino acid prop erties, conservation, AlignGVGD, PolyPhen2, and SIFT) do not provide strong supp ort for or against an impact to the protein. In summary, additional information is needed to fully assess the clinical significance of the Lys10621Glu variant.

NM_001267550.2(TTN):c.39163A>G (p.Lys13055Glu)

Gene: TTN (titin; minus strand). Cytogenetic location: 2q31.2.
Variant type: single nucleotide variant.
Coding change: c.39163A>G on transcript NM_001267550.2 (MANE Select); coding-DNA position 39163, A replaced by G.
Protein change: p.Lys13055Glu; replaces lysine 13055 with glutamic acid.
Molecular consequence: missense variant. On other transcripts: intron variant (3).
Genome position (GRCh38, 1-based): chr2:178,652,312, T>C on the plus strand (A>G on the coding strand, the complement: TTN is on the minus strand). VCF-style: chr2-178652312-T-C. GRCh37 (hg19) VCF-style: chr2-179517039-T-C.
Other names: c.31861A>G, p.Lys10621Glu (NM_133378.4); c.34642A>G, p.Lys11548Glu (NM_001256850.1); c.13283-9995A>G (NM_003319.4); c.13859-9995A>G (NM_133437.4); c.13658-9995A>G (NM_133432.3); short protein forms K13055E, K10621E, K11548E.
Identifiers: ClinVar variation 46921 (VCV000046921.5), dbSNP rs397517555, ClinGen allele CA139526.